The following is an entry in ClinVar:

ClinVar aggregate classification (germline): Pathogenic (1 of 4 stars; one submission).

Conditions:
Familial adenomatous polyposis 4 (FAP4). Also called: MSH3-related attenuated familial adenomatous polyposis. Identifiers: Orphanet 480536, MedGen C4310719, MONDO:0044300, OMIM 617100.

Submission:

Myriad Genetics, Inc.
Classification: Pathogenic for Familial adenomatous polyposis 4. Last evaluated: 2023-08-30. Review status: criteria provided, single submitter. Criteria: Myriad Autosomal Dominant, Autosomal Recessive and X-Linked Classification Criteria (2023). Collection method: clinical testing. Allele origin: unknown.
Comment: This variant is considered pathogenic. This variant creates a termination codon and is predicted to result in premature protein truncation.

NM_002439.5(MSH3):c.2243C>G (p.Ser748Ter)

Gene: MSH3 (mutS homolog 3; plus strand). Cytogenetic location: 5q14.1.
Variant type: single nucleotide variant.
Coding change: c.2243C>G on transcript NM_002439.5 (MANE Select); coding-DNA position 2243, C replaced by G.
Protein change: p.Ser748Ter; replaces serine 748 with a stop codon.
Molecular consequence: nonsense.
Genome position (GRCh38, 1-based): chr5:80,768,993, C>G. VCF-style: chr5-80768993-C-G. GRCh37 (hg19) VCF-style: chr5-80064812-C-G.
Other names: short protein forms S748*.
Identifiers: ClinVar variation 2673508 (VCV002673508.1), dbSNP rs2546774332, ClinGen allele CA360279786.